The following is an entry in ClinVar:

ClinVar aggregate classification (germline): Uncertain significance (1 of 4 stars; one submission).

Conditions:
Autosomal dominant nonsyndromic hearing loss 65. Also called: Deafness, autosomal dominant 65; TBC1D24-Related Autosomal Dominant Nonsyndromic Hearing Loss (DFNA). Identifiers: Orphanet 90635, MedGen C3892048, MONDO:0014470, OMIM 616044.
Developmental and epileptic encephalopathy, 1 (DEE1). Also called: INFANTILE SPASM SYNDROME, X-LINKED 1; X-linked infantile spasms; West's syndrome; Tonic spasms with clustering, arrest of psychomotor development and hypsarrhythmia on EEG; X-Linked Infantile Spasm Syndrome; OHTAHARA SYNDROME, X-LINKED. Identifiers: MedGen C3463992, MONDO:0010632, OMIM 308350. Disease mechanism: loss of function.

gnomAD v4.1: 1 of 1,612,416 alleles (0.000062%); highest among the groups gnomAD compares: Non-Finnish European, 0.000085%; no homozygotes.

Submission:

Labcorp Genetics (formerly Invitae), Labcorp
Classification: Uncertain significance for Developmental and epileptic encephalopathy, 1; Autosomal dominant nonsyndromic hearing loss 65. Last evaluated: 2025-02-25. Review status: criteria provided, single submitter. Criteria: Invitae Variant Classification Sherloc (09022015). Collection method: clinical testing. Allele origin: germline.
Comment: This sequence change replaces proline, which is neutral and non-polar, with leucine, which is neutral and non-polar, at codon 164 of the TBC1D24 protein (p.Pro164Leu). This variant is not present in population databases (gnomAD no frequency). This variant has not been reported in the literature in individuals affected with TBC1D24-related conditions. Invitae Evidence Modeling of protein sequence and biophysical properties (such as structural, functional, and spatial information, amino acid conservation, physicochemical variation, residue mobility, and thermodynamic stability) has been performed for this missense variant. However, the output from this modeling did not meet the statistical confidence thresholds required to predict the impact of this variant on TBC1D24 protein function. In summary, the available evidence is currently insufficient to determine the role of this variant in disease. Therefore, it has been classified as a Variant of Uncertain Significance.

NM_001199107.2(TBC1D24):c.491C>T (p.Pro164Leu)

Gene: TBC1D24 (TBC1 domain family member 24; plus strand). Cytogenetic location: 16p13.3.
Variant type: single nucleotide variant.
Coding change: c.491C>T on transcript NM_001199107.2 (MANE Select); coding-DNA position 491, C replaced by T.
Protein change: p.Pro164Leu; replaces proline 164 with leucine.
Molecular consequence: missense variant.
Genome position (GRCh38, 1-based): chr16:2,496,639, C>T. VCF-style: chr16-2496639-C-T. GRCh37 (hg19) VCF-style: chr16-2546640-C-T.
Other names: c.491C>T, p.Pro164Leu (NM_020705.3); short protein forms P164L.
Identifiers: ClinVar variation 4812771 (VCV004812771.1).